The following is an entry in ClinVar:

ClinVar aggregate classification (germline): Uncertain significance (1 of 4 stars; one submission).

Submission:

GeneDx
Classification: Uncertain significance. Last evaluated: 2025-07-16. Review status: criteria provided, single submitter. Criteria: GeneDx Variant Classification Process June 2021. Collection method: clinical testing. Allele origin: germline. Affected: yes.
Comment: Not observed at significant frequency in large population cohorts (gnomAD); Missense variants in this gene are a common cause of disease and they are underrepresented in the general population; In silico analysis suggests that this missense variant does not alter protein structure/function; Has not been previously published as pathogenic or benign to our knowledge; This variant is associated with the following publications: (PMID: 29493581)

NM_005633.4(SOS1):c.916G>C (p.Gly306Arg)

Gene: SOS1 (SOS Ras/Rac guanine nucleotide exchange factor 1; minus strand). Cytogenetic location: 2p22.1.
Variant type: single nucleotide variant.
Coding change: c.916G>C on transcript NM_005633.4 (MANE Select); coding-DNA position 916, G replaced by C.
Protein change: p.Gly306Arg; replaces glycine 306 with arginine.
Molecular consequence: missense variant.
Genome position (GRCh38, 1-based): chr2:39,035,449, C>G on the plus strand (G>C on the coding strand, the complement: SOS1 is on the minus strand). VCF-style: chr2-39035449-C-G. GRCh37 (hg19) VCF-style: chr2-39262590-C-G.
Other names: c.895G>C, p.Gly299Arg (NM_001382394.1); c.916G>C, p.Gly306Arg (NM_001382395.1); short protein forms G299R, G306R.
Identifiers: ClinVar variation 4686391 (VCV004686391.1).